The following is an entry in ClinVar:

ClinVar aggregate classification (germline): Pathogenic. Review status: criteria provided, single submitter (1 of 4 stars). 2 submissions from 2 submitters: Pathogenic (1). 1 of the submissions does not count toward it. Last evaluated 2024-08-26.

Conditions:
Nephrotic syndrome. Identifiers: MedGen C0027726, MONDO:0005377, HP:0000100.
Pierson syndrome. Also called: MICROCORIA-CONGENITAL NEPHROTIC SYNDROME. Identifiers: Orphanet 2670, MedGen C1836876, MONDO:0012184, OMIM 609049.

Submissions (2):

Women's Health and Genetics/Laboratory Corporation of America, LabCorp
Classification: Pathogenic for Pierson syndrome. Last evaluated: 2024-08-26. Review status: criteria provided, single submitter. Criteria: LabCorp Variant Classification Summary - May 2015. Collection method: clinical testing. Allele origin: germline.
Comment: Variant summary: LAMB2 c.4519C>T (p.Gln1507X) results in a premature termination codon, predicted to cause a truncation of the encoded protein or absence of the protein due to nonsense mediated decay, which are commonly known mechanisms for disease. The variant was absent in 251466 control chromosomes. c.4519C>T has been reported in the literature in individuals affected with Pierson Syndrome (Zenker_2004). To our knowledge, no experimental evidence demonstrating an impact on protein function has been reported. The following publication have been ascertained in the context of this evaluation (PMID: 15367484). ClinVar contains an entry for this variant (Variation ID: 974626). Based on the evidence outlined above, the variant was classified as pathogenic.

Sydney Genome Diagnostics, Children's Hospital Westmead
Classification: Pathogenic for Nephrotic syndrome. Last evaluated: 2018-09-10. Review status: no assertion criteria provided. Collection method: clinical testing. Allele origin: unknown. Affected: yes. Observed: 1 variant allele, 1 homozygote. Not counted in ClinVar's aggregate classification.
Comment: This variant creates a premature stop codon (p.Gln1507*) and may result in a null allele due to nonsense-mediated mRNA decay. This variant is considered to be pathogenic and has been previously reported in patients with Pierson syndrome (Zenker et al. Hum Mol Genet 2004;13(21):2625-2632 & Togawa et.al. Pediatr Int 2013; 55(2): 229-231). Truncating mutations are well established as a cause of Pierson syndrome (Matejas et al Hum Mutat 2010 31(9):992-1002). The inheritance of mutations associated with LAMB2 is autosomal recessive.

Literature cited by the submitters: PubMed 15367484 (cited by Women's Health and Genetics/Laboratory Corporation of America, LabCorp).

NM_002292.4(LAMB2):c.4519C>T (p.Gln1507Ter)

Gene: LAMB2 (laminin subunit beta 2; minus strand). Cytogenetic location: 3p21.31.
Variant type: single nucleotide variant.
Coding change: c.4519C>T on transcript NM_002292.4 (MANE Select); coding-DNA position 4519, C replaced by T.
Protein change: p.Gln1507Ter; replaces glutamine 1507 with a stop codon.
Molecular consequence: nonsense.
Genome position (GRCh38, 1-based): chr3:49,122,758, G>A on the plus strand (C>T on the coding strand, the complement: LAMB2 is on the minus strand). VCF-style: chr3-49122758-G-A. GRCh37 (hg19) VCF-style: chr3-49160191-G-A.
Other names: short protein forms Q1507*.
Identifiers: ClinVar variation 974626 (VCV000974626.3), dbSNP rs974891221, ClinGen allele CA74476290.